The following is an entry in ClinVar:

ClinVar aggregate classification (germline): Conflicting classifications of pathogenicity. Review status: criteria provided, conflicting classifications (1 of 4 stars). 7 submissions from 7 submitters: Uncertain significance (5); Likely benign (2). Last evaluated 2026-09-21.

Conditions:
TTN-related disorder. Also called: TTN-related condition; TTN-related disease; TTN-related disorders.
Cardiovascular phenotype. Identifiers: MedGen CN230736.

Allele frequency attached by ClinVar (database versions not stated): gnomAD 0.00005 and 0.00006; ESP Exome Variant Server 0.00008; ExAC 0.00009; TOPMed 0.00009.
gnomAD v4.1: 73 of 1,613,446 alleles (0.0045%); highest among the groups gnomAD compares: Middle Eastern, 0.049%; no homozygotes.

Submissions (7):

Molecular Diagnostic Laboratory for Inherited Cardiovascular Disease, Montreal Heart Institute
Classification: Likely benign. Last evaluated: 2026-09-21. Review status: criteria provided, single submitter. Criteria: ACMG Guidelines, 2015. Collection method: clinical testing. Allele origin: germline. Affected: no.

PreventionGenetics, part of Exact Sciences
Classification: Uncertain significance for TTN-related condition. Last evaluated: 2026-06-06. Review status: criteria provided, single submitter. Criteria: ACMG Guidelines, 2015. Collection method: clinical testing. Allele origin: germline.
Comment: The TTN c.81038G>A variant is predicted to result in the amino acid substitution p.Arg27013Gln. This variant has been reported in an individual with dilated cardiomyopathy; however, this individual also carried additional variants, including a TTN frameshift variant which could explain the phenotype (Minoche et al. 2018. PubMed ID: 29961767). This variant is reported in 0.0097% of alleles in individuals of Ashkenazi Jewish descent in gnomAD. At this time, the clinical significance of this variant is uncertain due to the absence of conclusive functional and genetic evidence.

Blueprint Genetics
Classification: Likely benign. Last evaluated: 2024-09-12. Review status: criteria provided, single submitter. Criteria: ACMG Guidelines, 2015. Collection method: clinical testing. Allele origin: germline.

Ambry Genetics
Classification: Uncertain significance for Cardiovascular phenotype. Last evaluated: 2020-02-14. Review status: criteria provided, single submitter. Criteria: Ambry Variant Classification Scheme 2023. Collection method: clinical testing. Allele origin: germline.
Comment: The p.R17948Q variant (also known as c.53843G>A), located in coding exon 153 of the TTN gene, results from a G to A substitution at nucleotide position 53843. The arginine at codon 17948 is replaced by glutamine, an amino acid with highly similar properties. This variant (referred to as p.R27013Q) co-occurred with a TTN frameshift variant in an individual from a dilated cardiomyopathy cohort (Minoche AE et al. Genet. Med., 2019 03;21:650-662). This variant (referred to as p.R24445Q) has also been reported as a secondary cardiac variant in an exome cohort (Ng D et al. Circ Cardiovasc Genet, 2013 Aug;6:337-46). This amino acid position is highly conserved in available vertebrate species. In addition, this alteration is predicted to be tolerated by in silico analysis. Since supporting evidence is limited at this time, the clinical significance of this alteration remains unclear.

Revvity Omics, Revvity
Classification: Uncertain significance. Last evaluated: 2019-03-03. Review status: criteria provided, single submitter. Criteria: ACMG Guidelines, 2015. Collection method: clinical testing. Allele origin: germline.

Eurofins Ntd Llc (ga)
Classification: Uncertain significance. Last evaluated: 2017-11-14. Review status: criteria provided, single submitter. Criteria: EGL Classification Definitions 2015. Collection method: clinical testing. Allele origin: germline. Observed: 3 variant alleles, 3 heterozygotes.

Biesecker Lab/Clinical Genomics Section, National Institutes of Health
Classification: Uncertain significance. Last evaluated: 2013-06-24. Review status: criteria provided, single submitter. Criteria: Ng et al. (Circ Cardiovasc Genet. 2013). Collection method: research. Allele origin: unknown. Observed: 1 variant allele. Study: ClinSeq.
Comment: The study set was not selected for affection status in relation to any cancer. Pathogenicity categories were based on literature curation. See Pubmed ID:23861362 for details.

Medical sequencing

Literature cited by the submitters: PubMed 23861362 (cited by Ambry Genetics); PubMed 29961767 (cited by Ambry Genetics).

NM_001267550.2(TTN):c.81038G>A (p.Arg27013Gln)

Genes: TTN (titin; minus strand), TTN-AS1 (TTN antisense RNA 1; plus strand). Cytogenetic location: 2q31.2.
Variant type: single nucleotide variant.
Coding change: c.81038G>A on transcript NM_001267550.2 (MANE Select); coding-DNA position 81038, G replaced by A.
Protein change: p.Arg27013Gln; replaces arginine 27013 with glutamine.
Molecular consequence: missense variant.
Genome position (GRCh38, 1-based): chr2:178,565,094, C>T on the plus strand (G>A on the coding strand, the complement: TTN is on the minus strand). VCF-style: chr2-178565094-C-T. GRCh37 (hg19) VCF-style: chr2-179429821-C-T.
Other names: c.76115G>A, p.Arg25372Gln (NM_001256850.1); c.53843G>A, p.Arg17948Gln (NM_003319.4); c.73334G>A, p.Arg24445Gln (NM_133378.4); c.54218G>A, p.Arg18073Gln (NM_133432.3); c.54419G>A, p.Arg18140Gln (NM_133437.4); short protein forms R24445Q, R27013Q, R17948Q, R18073Q, R18140Q, R25372Q.
Identifiers: ClinVar variation 191885 (VCV000191885.13), dbSNP rs376374751, ClinGen allele CA237785.